The following is an entry in ClinVar:

ClinVar aggregate classification (germline): Uncertain significance (1 of 4 stars; one submission).

Conditions:
Propionic acidemia (PROP). Also called: GLYCINEMIA, KETOTIC; HYPERGLYCINEMIA WITH KETOACIDOSIS AND LEUKOPENIA; KETOTIC HYPERGLYCINEMIA. Identifiers: Orphanet 35, MedGen C0268579, MONDO:0011628, OMIM 606054, HP:0003571.

Allele frequency attached by ClinVar (database versions not stated): gnomAD exomes below 0.00001 and 0.00001; gnomAD 0.00001; TOPMed 0.00002.
gnomAD v4.1: 4 of 1,613,878 alleles (0.00025%); highest among the groups gnomAD compares: Admixed American, 0.0067%; no homozygotes.

Submission:

Labcorp Genetics (formerly Invitae), Labcorp
Classification: Uncertain significance for Propionic acidemia. Last evaluated: 2022-07-15. Review status: criteria provided, single submitter. Criteria: Invitae Variant Classification Sherloc (09022015). Collection method: clinical testing. Allele origin: germline.
Comment: This sequence change replaces asparagine, which is neutral and polar, with aspartic acid, which is acidic and polar, at codon 315 of the PCCB protein (p.Asn315Asp). This variant is present in population databases (no rsID available, gnomAD 0.003%). This variant has not been reported in the literature in individuals affected with PCCB-related conditions. ClinVar contains an entry for this variant (Variation ID: 1056061). Advanced modeling of protein sequence and biophysical properties (such as structural, functional, and spatial information, amino acid conservation, physicochemical variation, residue mobility, and thermodynamic stability) performed at Invitae indicates that this missense variant is not expected to disrupt PCCB protein function. In summary, the available evidence is currently insufficient to determine the role of this variant in disease. Therefore, it has been classified as a Variant of Uncertain Significance.

NM_000532.5(PCCB):c.943A>G (p.Asn315Asp)

Gene: PCCB (propionyl-CoA carboxylase subunit beta; plus strand). Cytogenetic location: 3q22.3.
Variant type: single nucleotide variant.
Coding change: c.943A>G on transcript NM_000532.5 (MANE Select); coding-DNA position 943, A replaced by G.
Protein change: p.Asn315Asp; replaces asparagine 315 with aspartic acid.
Molecular consequence: missense variant.
Genome position (GRCh38, 1-based): chr3:136,301,088, A>G. VCF-style: chr3-136301088-A-G. GRCh37 (hg19) VCF-style: chr3-136019930-A-G.
Other names: c.1003A>G, p.Asn335Asp (NM_001178014.2); short protein forms N315D, N335D.
Identifiers: ClinVar variation 1056061 (VCV001056061.2), dbSNP rs1456890228, ClinGen allele CA354645708.